The following is an entry in ClinVar:

NM_012309.5(SHANK2):c.5014C>G (p.Arg1672Gly)

Gene: SHANK2 (SH3 and multiple ankyrin repeat domains 2; minus strand). Cytogenetic location: 11q13.3.
Variant type: single nucleotide variant.
Coding change: c.5014C>G on transcript NM_012309.5 (MANE Select); coding-DNA position 5014, C replaced by G.
Protein change: p.Arg1672Gly; replaces arginine 1672 with glycine.
Molecular consequence: missense variant. On other transcripts: non-coding transcript variant (1).
Genome position (GRCh38, 1-based): chr11:70,473,405, G>C on the plus strand (C>G on the coding strand, the complement: SHANK2 is on the minus strand). VCF-style: chr11-70473405-G-C. GRCh37 (hg19) VCF-style: chr11-70319510-G-C.
Other names: c.3877C>G, p.Arg1293Gly (NM_001379226.1); c.3250C>G, p.Arg1084Gly (NM_133266.5); short protein forms R1084G, R1293G, R1672G.
Identifiers: ClinVar variation 2642071 (VCV002642071.25), dbSNP rs142444295, ClinGen allele CA6160788.

ClinVar aggregate classification (germline): Likely benign. Review status: criteria provided, multiple submitters, no conflicts (2 of 4 stars). 2 submissions from 2 submitters: Likely benign (2). Last evaluated 2025-02-16.

Allele frequency attached by ClinVar (database versions not stated): ExAC 0.00002; ESP Exome Variant Server 0.00008; gnomAD 0.00008.
gnomAD v4.1: 51 of 1,607,180 alleles (0.0032%); highest among the groups gnomAD compares: Non-Finnish European, 0.0042%; no homozygotes.

Submissions (2):

Laboratory of Genetics, Children's Clinical University Hospital Latvia
Classification: Likely benign. Last evaluated: 2025-02-16. Review status: criteria provided, single submitter. Criteria: ACMG Guidelines, 2015. Collection method: clinical testing. Allele origin: germline. Affected: yes.

CeGaT Center for Human Genetics Tuebingen
Classification: Likely benign. Last evaluated: 2022-03-01. Review status: criteria provided, single submitter. Criteria: CeGaT Center For Human Genetics Tuebingen Variant Classification Criteria Version 2. Collection method: clinical testing. Allele origin: germline. Affected: yes. Observed: 1 variant allele.
Comment: SHANK2: BP4